The following is an entry in ClinVar:

NM_181523.3(PIK3R1):c.752C>T (p.Ser251Phe)

Gene: PIK3R1 (phosphoinositide-3-kinase regulatory subunit 1; plus strand). Cytogenetic location: 5q13.1.
Variant type: single nucleotide variant.
Coding change: c.752C>T on transcript NM_181523.3 (MANE Select); coding-DNA position 752, C replaced by T.
Protein change: p.Ser251Phe; replaces serine 251 with phenylalanine.
Molecular consequence: missense variant.
Genome position (GRCh38, 1-based): chr5:68,280,645, C>T. VCF-style: chr5-68280645-C-T. GRCh37 (hg19) VCF-style: chr5-67576473-C-T.
Other names: short protein forms S251F.
Identifiers: ClinVar variation 834213 (VCV000834213.12), dbSNP rs1184502086, ClinGen allele CA359875426.

ClinVar aggregate classification (germline): Uncertain significance. Review status: criteria provided, multiple submitters, no conflicts (2 of 4 stars). 2 submissions from 2 submitters: Uncertain significance (2). Last evaluated 2024-02-14.

Conditions:
Agammaglobulinemia 7, autosomal recessive (AGM7). Also called: AGAMMAGLOBULINEMIA, AUTOSOMAL RECESSIVE, DUE TO PIK3R1 DEFECT. Identifiers: MedGen C3554689, MONDO:0014083, OMIM 615214.
SHORT syndrome. Also called: LIPODYSTROPHY, PARTIAL, WITH RIEGER ANOMALY AND SHORT STATURE; SHORT STATURE, HYPEREXTENSIBILITY, HERNIA, OCULAR DEPRESSION, RIEGER ANOMALY, AND TEETHING DELAY; PIK3R1-Related SHORT Syndrome. Identifiers: Orphanet 3163, MedGen C0878684, MONDO:0010026, OMIM 269880.
Immunodeficiency 36 with lymphoproliferation. Also called: Activated PI3K Delta Syndrome Type 2 (APDS2); Immunodeficiency 36; ACTIVATED PI3K-DELTA SYNDROME 2. Identifiers: Orphanet 397596, Orphanet 693681, MedGen C4014934, MONDO:0014453, OMIM 616005.
Inborn genetic diseases. Identifiers: MedGen C0950123, MeSH D030342.

Allele frequency attached by ClinVar (database versions not stated): gnomAD exomes below 0.00001 and 0.00002; gnomAD 0.00001; TOPMed 0.00001.
gnomAD v4.1: 29 of 1,613,930 alleles (0.0018%); highest among the groups gnomAD compares: Non-Finnish European, 0.0025%; no homozygotes.

Submissions (2):

Labcorp Genetics (formerly Invitae), Labcorp
Classification: Uncertain significance for SHORT syndrome; Immunodeficiency 36 with lymphoproliferation; Agammaglobulinemia 7, autosomal recessive. Last evaluated: 2024-02-14. Review status: criteria provided, single submitter. Criteria: Invitae Variant Classification Sherloc (09022015). Collection method: clinical testing. Allele origin: germline.
Comment: This sequence change replaces serine, which is neutral and polar, with phenylalanine, which is neutral and non-polar, at codon 251 of the PIK3R1 protein (p.Ser251Phe). This variant is present in population databases (no rsID available, gnomAD 0.0009%). This variant has not been reported in the literature in individuals affected with PIK3R1-related conditions. ClinVar contains an entry for this variant (Variation ID: 834213). An algorithm developed to predict the effect of missense changes on protein structure and function (PolyPhen-2) suggests that this variant is likely to be disruptive. In summary, the available evidence is currently insufficient to determine the role of this variant in disease. Therefore, it has been classified as a Variant of Uncertain Significance.

Ambry Genetics
Classification: Uncertain significance for Inborn genetic diseases. Last evaluated: 2023-07-10. Review status: criteria provided, single submitter. Criteria: Ambry Variant Classification Scheme 2023. Collection method: clinical testing. Allele origin: germline.